The following is an entry in ClinVar:

NM_198407.2(GHSR):c.140C>T (p.Thr47Ile)

Gene: GHSR (growth hormone secretagogue receptor; minus strand). Cytogenetic location: 3q26.31.
Variant type: single nucleotide variant.
Coding change: c.140C>T on transcript NM_198407.2 (MANE Select); coding-DNA position 140, C replaced by T.
Protein change: p.Thr47Ile; replaces threonine 47 with isoleucine.
Molecular consequence: missense variant.
Genome position (GRCh38, 1-based): chr3:172,448,274, G>A on the plus strand (C>T on the coding strand, the complement: GHSR is on the minus strand). VCF-style: chr3-172448274-G-A. GRCh37 (hg19) VCF-style: chr3-172166064-G-A.
Other names: c.140C>T, p.Thr47Ile (NM_004122.2); short protein forms T47I.
Identifiers: ClinVar variation 4755583 (VCV004755583.1).
Genomic context (GRCh38, chr3:172,448,274, plus strand): 5'-ACCAGCATGGTGAGCAGGTTGCCAGCGATGCCCACCACGAAGAGTGCCACGCAGGTGGCT[G>A]TGACGCCCGCCAGCAGCGGCGCGGGGAAGAGCTGCAGCAGCTCGTCGCCCAGCGAGTCGT-3'
Protein context (NP_940799.1, residues 37-57): LFPAPLLAGV[Thr47Ile]ATCVALFVVG

ClinVar aggregate classification (germline): Uncertain significance (1 of 4 stars; one submission).

Submission:

GeneDx
Classification: Uncertain significance. Last evaluated: 2025-08-06. Review status: criteria provided, single submitter. Criteria: GeneDx Variant Classification Process June 2021. Collection method: clinical testing. Allele origin: germline. Affected: yes.
Comment: Not observed at significant frequency in large population cohorts (gnomAD); In silico analysis supports that this missense variant has a deleterious effect on protein structure/function; Has not been previously published as pathogenic or benign to our knowledge